The following is an entry in ClinVar:

NM_000059.4(BRCA2):c.3529G>A (p.Asp1177Asn)

Gene: BRCA2 (BRCA2 DNA repair associated; plus strand). Cytogenetic location: 13q13.1.
Variant type: single nucleotide variant.
Coding change: c.3529G>A on transcript NM_000059.4 (MANE Select); coding-DNA position 3529, G replaced by A.
Protein change: p.Asp1177Asn; replaces aspartic acid 1177 with asparagine.
Molecular consequence: missense variant.
Genome position (GRCh38, 1-based): chr13:32,337,884, G>A. VCF-style: chr13-32337884-G-A. GRCh37 (hg19) VCF-style: chr13-32912021-G-A.
Other names: short protein forms D1177N.
Identifiers: ClinVar variation 409444 (VCV000409444.16), dbSNP rs1060502397, ClinGen allele CA16613951.

ClinVar aggregate classification (germline): Conflicting classifications of pathogenicity. Review status: criteria provided, conflicting classifications (1 of 4 stars). 3 submissions from 3 submitters: Uncertain significance (2); Likely benign (1). Last evaluated 2023-12-06.

Conditions:
Hereditary breast ovarian cancer syndrome. Also called: Hereditary breast and ovarian cancer; Hereditary breast and/or ovarian cancer syndrome; BRCA1- and BRCA2-Associated Hereditary Breast and Ovarian Cancer; Hereditary breast and ovarian cancer syndrome; Hereditary breast and ovarian cancer syndrome (HBOC); Breast and ovarian cancer. Identifiers: Orphanet 145, MedGen C0677776, MeSH D061325, MONDO:0003582. Disease mechanism: loss of function.
Hereditary cancer-predisposing syndrome. Also called: Tumor predisposition; Hereditary Cancer Syndrome; Hereditary neoplastic syndrome; Neoplastic Syndromes, Hereditary. Identifiers: Orphanet 140162, MedGen C0027672, MeSH D009386, MONDO:0015356.

Allele frequency attached by ClinVar (database versions not stated): gnomAD exomes below 0.00001.
gnomAD v4.1: 2 of 1,614,088 alleles (0.00012%); highest among the groups gnomAD compares: African/African-American, 0.0013%; no homozygotes.

Submissions (3):

Labcorp Genetics (formerly Invitae), Labcorp
Classification: Uncertain significance for Hereditary breast ovarian cancer syndrome. Last evaluated: 2023-12-06. Review status: criteria provided, single submitter. Criteria: Invitae Variant Classification Sherloc (09022015). Collection method: clinical testing. Allele origin: germline.
Comment: This sequence change replaces aspartic acid, which is acidic and polar, with asparagine, which is neutral and polar, at codon 1177 of the BRCA2 protein (p.Asp1177Asn). This variant is not present in population databases (gnomAD no frequency). This variant has not been reported in the literature in individuals affected with BRCA2-related conditions. ClinVar contains an entry for this variant (Variation ID: 409444). Advanced modeling of protein sequence and biophysical properties (such as structural, functional, and spatial information, amino acid conservation, physicochemical variation, residue mobility, and thermodynamic stability) performed at Invitae indicates that this missense variant is not expected to disrupt BRCA2 protein function with a negative predictive value of 95%. In summary, the available evidence is currently insufficient to determine the role of this variant in disease. Therefore, it has been classified as a Variant of Uncertain Significance.

University of Washington Department of Laboratory Medicine, University of Washington
Classification: Likely benign for Hereditary cancer-predisposing syndrome. Last evaluated: 2023-03-23. Review status: criteria provided, single submitter. Criteria: Dines et al. (Genet Med. 2020). Collection method: curation. Allele origin: germline.
Comment: Missense variant in a coldspot region where missense variants are very unlikely to be pathogenic (PMID:31911673).

BRCA2 exon 11 coldspot. Reclassification based on statistical prior probability.

Ambry Genetics
Classification: Uncertain significance for Hereditary cancer-predisposing syndrome. Last evaluated: 2022-08-05. Review status: criteria provided, single submitter. Criteria: Ambry Variant Classification Scheme 2023. Collection method: clinical testing. Allele origin: germline.
Comment: The p.D1177N variant (also known as c.3529G>A), located in coding exon 10 of the BRCA2 gene, results from a G to A substitution at nucleotide position 3529. The aspartic acid at codon 1177 is replaced by asparagine, an amino acid with highly similar properties. This amino acid position is conserved. In addition, this alteration is predicted to be tolerated by in silico analysis. Since supporting evidence is limited at this time, the clinical significance of this alteration remains unclear.